The following is an entry in ClinVar:

NM_022893.4(BCL11A):c.603C>T (p.Ser201=)

Gene: BCL11A (BCL11 transcription factor A; minus strand). Cytogenetic location: 2p16.1.
Variant type: single nucleotide variant.
Coding change: c.603C>T on transcript NM_022893.4 (MANE Select); coding-DNA position 603, C replaced by T.
Protein change: p.Ser201=; no amino-acid change (serine 201 retained).
Molecular consequence: synonymous variant. On other transcripts: non-coding transcript variant (1).
Genome position (GRCh38, 1-based): chr2:60,462,309, G>A on the plus strand (C>T on the coding strand, the complement: BCL11A is on the minus strand). VCF-style: chr2-60462309-G-A. GRCh37 (hg19) VCF-style: chr2-60689444-G-A.
Other names: NC_000002.11:g.60689444G>A; c.501C>T, p.Ser167= (NM_001363864.1, NM_001365609.1, NM_001405711.1 and 3 more transcripts); c.603C>T, p.Ser201= (NM_001405708.1, NM_001405709.1, NM_001405710.1 and 4 more transcripts); c.447C>T, p.Ser149= (NM_001405713.1, NM_001405714.1, NM_001405715.1 and 6 more transcripts); c.345C>T, p.Ser115= (NM_001405717.1, NM_001405718.1, NM_001405724.1 and 1 more transcripts); c.270C>T, p.Ser90= (NM_001405720.1, NM_001405721.1); c.147C>T, p.Ser49= (NM_001405725.1, NM_001405726.1, NM_001405727.1 and 2 more transcripts).
Identifiers: ClinVar variation 4515092 (VCV004515092.7).
Genomic context (GRCh38, chr2:60,462,309, plus strand): 5'-ACATTCTGCACCTAGTCCTGAAGGGATACCAACCCGCGGGGTCAGGGGACTTCCGTGTTC[G>A]CTTTCTAAGTAGATTCTTAATCCATGAGTGTTCTGTGCGTGTTGCAAGAGAAACCATGCA-3'
Protein context (NP_075044.2, residues 191-211): NTHGLRIYLE[Ser201=]EHGSPLTPRV

ClinVar aggregate classification (germline): Likely benign (1 of 4 stars; one submission).

gnomAD v4.1: 1 of 1,614,136 alleles (0.000062%); highest among the groups gnomAD compares: South Asian, 0.0011%; no homozygotes.

Submissions (3):

CeGaT Center for Human Genetics Tuebingen
Classification: Likely benign. Last evaluated: 2025-11-01. Review status: criteria provided, single submitter. Criteria: CeGaT Center For Human Genetics Tuebingen Variant Classification Criteria Version 2. Collection method: clinical testing. Allele origin: germline. Affected: yes. Observed: 1 variant allele.
Comment: BCL11A: BP4, BP7

Dr. Peter K. Rogan Lab, Western University
No classification provided (evidence only). Condition: Nonpapillary renal cell carcinoma. Review status: no classification provided. Collection method: in vitro. Allele origin: not applicable. Functional consequence: retained intron. Not counted in ClinVar's aggregate classification.

Dr. Peter K. Rogan Lab, Western University
No classification provided (evidence only). Condition: Nonpapillary renal cell carcinoma. Review status: no classification provided. Collection method: in vitro. Allele origin: not applicable. Functional consequence: retained intron. Not counted in ClinVar's aggregate classification.